The following is an entry in ClinVar:

NM_001283009.2(RTEL1):c.301+1G>A

Genes: RTEL1 (regulator of telomere elongation helicase 1; plus strand), RTEL1-TNFRSF6B (RTEL1-TNFRSF6B readthrough (NMD candidate); plus strand). Cytogenetic location: 20q13.33.
Variant type: single nucleotide variant.
Coding change: c.301+1G>A on transcript NM_001283009.2 (MANE Select); the canonical splice donor site of the intron after coding-DNA position 301, G replaced by A.
Molecular consequence: splice donor variant.
Genome position (GRCh38, 1-based): chr20:63,661,497, G>A. VCF-style: chr20-63661497-G-A. GRCh37 (hg19) VCF-style: chr20-62292850-G-A.
Other names: c.-369+1G>A (NM_001283010.1); c.301+1G>A (NM_032957.5, NM_016434.4).
Identifiers: ClinVar variation 1468910 (VCV001468910.8), dbSNP rs2146149228, ClinGen allele CA409658268.
Genomic context (GRCh38, chr20:63,661,497, plus strand): 5'-TCCCGGATCGGGCCTTGTCATCCTGGGGCAACGCTGCTGCTGCTGCTGGAGACCCCATAG[G>A]TGACCCTAGTTCCCAGGCCTCTCCTGGCCTCCTGTGGGGATGGTTGGCAAGGGATGGCGC-3'

ClinVar aggregate classification (germline): Likely pathogenic (1 of 4 stars; one submission).

Conditions:
Pulmonary fibrosis and/or bone marrow failure, Telomere-related, 3. Also called: PULMONARY FIBROSIS AND/OR BONE MARROW FAILURE SYNDROME, TELOMERE-RELATED, 3. Identifiers: Orphanet 2032, MedGen C4225346, MONDO:0014613, OMIM 616373.
Dyskeratosis congenita, autosomal recessive 5 (DKCB5). Identifiers: MedGen C3554656, MONDO:0014076, OMIM 615190.

Submission:

Labcorp Genetics (formerly Invitae), Labcorp
Classification: Likely pathogenic for Dyskeratosis congenita, autosomal recessive 5; Pulmonary fibrosis and/or bone marrow failure, Telomere-related, 3. Last evaluated: 2023-09-27. Review status: criteria provided, single submitter. Criteria: Invitae Variant Classification Sherloc (09022015). Collection method: clinical testing. Allele origin: germline.
Comment: This sequence change affects a donor splice site in intron 3 of the RTEL1 gene. It is expected to disrupt RNA splicing. Variants that disrupt the donor or acceptor splice site typically lead to a loss of protein function (PMID: 16199547), and loss-of-function variants in RTEL1 are known to be pathogenic (PMID: 23453664, 23959892, 25607374). This variant is not present in population databases (gnomAD no frequency). Disruption of this splice site has been observed in individual(s) with clinical features of RTEL1-related conditions (PMID: 29344583). ClinVar contains an entry for this variant (Variation ID: 1468910). Algorithms developed to predict the effect of sequence changes on RNA splicing suggest that this variant may disrupt the consensus splice site. In summary, the currently available evidence indicates that the variant is pathogenic, but additional data are needed to prove that conclusively. Therefore, this variant has been classified as Likely Pathogenic.

Literature cited by the submitters: PubMed 16199547; PubMed 23453664; PubMed 23959892; PubMed 25607374; PubMed 29344583.